The following is an entry in ClinVar:

NM_000094.4(COL7A1):c.1606C>T (p.Gln536Ter)

Gene: COL7A1 (collagen type VII alpha 1 chain; minus strand). Cytogenetic location: 3p21.31.
Variant type: single nucleotide variant.
Coding change: c.1606C>T on transcript NM_000094.4 (MANE Select); coding-DNA position 1606, C replaced by T.
Protein change: p.Gln536Ter; replaces glutamine 536 with a stop codon.
Molecular consequence: nonsense.
Genome position (GRCh38, 1-based): chr3:48,591,494, G>A on the plus strand (C>T on the coding strand, the complement: COL7A1 is on the minus strand). VCF-style: chr3-48591494-G-A. GRCh37 (hg19) VCF-style: chr3-48628927-G-A.
Other names: short protein forms Q536*.
Identifiers: ClinVar variation 1705599 (VCV001705599.7), dbSNP rs1262051629, ClinGen allele CA352732701.

ClinVar aggregate classification (germline): Pathogenic. Review status: criteria provided, multiple submitters, no conflicts (2 of 4 stars). 5 submissions from 5 submitters: Pathogenic (5). Last evaluated 2025-12-19.

Conditions:
Recessive dystrophic epidermolysis bullosa (RDEB). Also called: DYSTROPHIC EPIDERMOLYSIS BULLOSA, AUTOSOMAL RECESSIVE; EPIDERMOLYSIS BULLOSA DYSTROPHICA, HALLOPEAU-SIEMENS TYPE; severe generalized recessive dystrophic epidermolysis bullosa; Epidermolysis Bullosa Distrophica Autosomal Recessive (RDEB); Hallopeau-Siemens Disease; EPIDERMOLYSIS BULLOSA DYSTROPHICA, GENERALIZED SEVERE, AUTOSOMAL RECESSIVE. Identifiers: Orphanet 79408, Orphanet 79409, MedGen C0079474, MONDO:0009179, OMIM 226600.
Pretibial dystrophic epidermolysis bullosa. Also called: EPIDERMOLYSIS BULLOSA DYSTROPHICA, PRETIBIAL; Pretibial epidermolysis bullosa; Pretibial blistering. Identifiers: Orphanet 79410, MedGen C0432321, MONDO:0007552, OMIM 131850, HP:0012221.

gnomAD v4.1: 1 of 1,614,016 alleles (0.000062%); highest among the groups gnomAD compares: Admixed American, 0.0017%; no homozygotes.

Submissions (5):

Women's Health and Genetics/Laboratory Corporation of America, LabCorp
Classification: Pathogenic for Recessive dystrophic epidermolysis bullosa. Last evaluated: 2025-12-19. Review status: criteria provided, single submitter. Criteria: LabCorp Variant Classification Summary - May 2015. Collection method: clinical testing. Allele origin: germline.
Comment: Variant summary: COL7A1 c.1606C>T (p.Gln536X) results in a premature termination codon, predicted to cause a truncation of the encoded protein or absence of the protein due to nonsense mediated decay, which are commonly known mechanisms for disease. The variant allele was found at a frequency of 4e-06 in 251226 control chromosomes. c.1606C>T has been observed in individual(s) affected with Dystrophic Epidermolysis Bullosa without detailed clinical info provided (example, Kumar_2025). These report(s) do not provide unequivocal conclusions about association of the variant with Dystrophic Epidermolysis Bullosa, Recessive. To our knowledge, no experimental evidence demonstrating an impact on protein function has been reported. The following publication has been ascertained in the context of this evaluation (PMID: 39141798). ClinVar contains an entry for this variant (Variation ID: 1705599). Based on the evidence outlined above, the variant was classified as pathogenic.

GeneDx
Classification: Pathogenic. Last evaluated: 2024-10-25. Review status: criteria provided, single submitter. Criteria: GeneDx Variant Classification Process June 2021. Collection method: clinical testing. Allele origin: germline. Affected: yes.
Comment: Nonsense variant predicted to result in protein truncation or nonsense mediated decay in a gene for which loss of function is a known mechanism of disease; Not observed at significant frequency in large population cohorts (gnomAD); This variant is associated with the following publications: (PMID: 39141798)

Myriad Genetics, Inc.
Classification: Pathogenic for Recessive dystrophic epidermolysis bullosa. Last evaluated: 2024-08-12. Review status: criteria provided, single submitter. Criteria: Myriad Autosomal Dominant, Autosomal Recessive and X-Linked Classification Criteria (2023). Collection method: clinical testing. Allele origin: unknown.
Comment: NM_000094.3(COL7A1):c.1606C>T(Q536*) is expected to be pathogenic in the context of dystrophic epidermolysis bullosa. This variant is predicted to lead to an abnormal or absent protein product due to the creation of a premature termination codon in COL7A1, a gene where loss-of-function variants are known to be pathogenic. Please note: this variant was assessed in the context of healthy population screening.

Labcorp Genetics (formerly Invitae), Labcorp
Classification: Pathogenic. Last evaluated: 2023-10-10. Review status: criteria provided, single submitter. Criteria: Invitae Variant Classification Sherloc (09022015). Collection method: clinical testing. Allele origin: germline.
Comment: This sequence change creates a premature translational stop signal (p.Gln536*) in the COL7A1 gene. It is expected to result in an absent or disrupted protein product. Loss-of-function variants in COL7A1 are known to be pathogenic (PMID: 16971478). This variant is present in population databases (no rsID available, gnomAD 0.003%). This variant has not been reported in the literature in individuals affected with COL7A1-related conditions. ClinVar contains an entry for this variant (Variation ID: 1705599). For these reasons, this variant has been classified as Pathogenic.

3billion
Classification: Pathogenic for Pretibial dystrophic epidermolysis bullosa. Last evaluated: 2022-09-01. Review status: criteria provided, single submitter. Criteria: ACMG Guidelines, 2015. Collection method: clinical testing. Allele origin: germline. Affected: yes. Observed: 1 homozygote.
Comment: The variant is observed at an extremely low frequency in the gnomAD v2.1.1 dataset (total allele frequency: <0.001%). Stop-gained (nonsense) is predicted to result in a loss or disruption of normal protein function through nonsense-mediated decay (NMD) or protein truncation. Multiple pathogenic variants are reported downstream of the variant. The variant has been reported to be associated with COL7A1 -related disorder and in trans with a pathogenic variant as either compound heterozygous or homozygous in at least one similarly affected unrelated individual (3billion dataset). Therefore, this variant is classified as Pathogenic according to the recommendation of ACMG/AMP guideline.

Literature cited by the submitters: PubMed 39141798 (cited by Women's Health and Genetics/Laboratory Corporation of America, LabCorp); PubMed 16971478 (cited by Labcorp Genetics (formerly Invitae), Labcorp).